The following is an entry in ClinVar:

ClinVar aggregate classification (germline): Uncertain significance. Review status: criteria provided, multiple submitters, no conflicts (2 of 4 stars). 2 submissions from 2 submitters: Uncertain significance (2). Last evaluated 2023-12-13.

Conditions:
Inborn genetic diseases. Identifiers: MedGen C0950123, MeSH D030342.
Short-rib thoracic dysplasia 6 with or without polydactyly (SRTD6). Also called: POLYDACTYLY WITH NEONATAL CHONDRODYSTROPHY, TYPE II; SHORT-RIB THORACIC DYSPLASIA 6 WITH POLYDACTYLY; Majewski Syndrome; SHORT RIB-POLYDACTYLY SYNDROME, TYPE IIA; SHORT-RIB THORACIC DYSPLASIA 6 WITHOUT POLYDACTYLY. Identifiers: MedGen C0024507, MONDO:0009894, OMIM 263520.

Allele frequency attached by ClinVar (database versions not stated): gnomAD exomes 0.00002; gnomAD 0.00003; TOPMed 0.00007.
gnomAD v4.1: 37 of 1,547,348 alleles (0.0024%); highest among the groups gnomAD compares: African/African-American, 0.0069%; no homozygotes.

Submissions (2):

Labcorp Genetics (formerly Invitae), Labcorp
Classification: Uncertain significance for Short-rib thoracic dysplasia 6 with or without polydactyly. Last evaluated: 2023-12-13. Review status: criteria provided, single submitter. Criteria: Invitae Variant Classification Sherloc (09022015). Collection method: clinical testing. Allele origin: germline.
Comment: This sequence change replaces arginine, which is basic and polar, with glutamine, which is neutral and polar, at codon 161 of the NEK1 protein (p.Arg161Gln). This variant is present in population databases (no rsID available, gnomAD 0.01%). This variant has not been reported in the literature in individuals affected with NEK1-related conditions. Advanced modeling of protein sequence and biophysical properties (such as structural, functional, and spatial information, amino acid conservation, physicochemical variation, residue mobility, and thermodynamic stability) performed at Invitae indicates that this missense variant is not expected to disrupt NEK1 protein function with a negative predictive value of 95%. In summary, the available evidence is currently insufficient to determine the role of this variant in disease. Therefore, it has been classified as a Variant of Uncertain Significance.

Ambry Genetics
Classification: Uncertain significance for Inborn genetic diseases. Last evaluated: 2023-07-14. Review status: criteria provided, single submitter. Criteria: Ambry Variant Classification Scheme 2023. Collection method: clinical testing. Allele origin: germline.

NM_001199397.3(NEK1):c.482G>A (p.Arg161Gln)

Gene: NEK1 (NIMA related kinase 1; minus strand). Cytogenetic location: 4q33.
Variant type: single nucleotide variant.
Coding change: c.482G>A on transcript NM_001199397.3 (MANE Select); coding-DNA position 482, G replaced by A.
Protein change: p.Arg161Gln; replaces arginine 161 with glutamine.
Molecular consequence: missense variant. On other transcripts: non-coding transcript variant (2).
Genome position (GRCh38, 1-based): chr4:169,588,718, C>T on the plus strand (G>A on the coding strand, the complement: NEK1 is on the minus strand). VCF-style: chr4-169588718-C-T. GRCh37 (hg19) VCF-style: chr4-170509869-C-T.
Other names: c.482G>A, p.Arg161Gln (NM_001199398.3, NM_001199399.3, NM_001199400.3 and 7 more transcripts); short protein forms R161Q.
Identifiers: ClinVar variation 2591741 (VCV002591741.5), dbSNP rs1041766237, ClinGen allele CA109920887.